The following is an entry in ClinVar:

ClinVar aggregate classification (germline): Uncertain significance (1 of 4 stars; one submission).

Allele frequency attached by ClinVar (database versions not stated): gnomAD 0.00005; TOPMed 0.00004; ExAC 0.00007; ESP Exome Variant Server 0.00008; gnomAD exomes 0.00004; 1000 Genomes Project 30x 0.00016; 1000 Genomes Project 0.00020.
gnomAD v4.1: 79 of 1,614,174 alleles (0.0049%); highest among the groups gnomAD compares: South Asian, 0.022%; no homozygotes.

Submission:

Labcorp Genetics (formerly Invitae), Labcorp
Classification: Uncertain significance. Last evaluated: 2025-08-19. Review status: criteria provided, single submitter. Criteria: Invitae Variant Classification Sherloc (09022015). Collection method: clinical testing. Allele origin: germline.
Comment: This sequence change replaces arginine, which is basic and polar, with histidine, which is basic and polar, at codon 245 of the KRT10 protein (p.Arg245His). The frequency data for this variant in the population databases is considered unreliable, as metrics indicate poor data quality at this position in the gnomAD database. This variant has not been reported in the literature in individuals affected with KRT10-related conditions. ClinVar contains an entry for this variant (Variation ID: 2899240). Invitae Evidence Modeling of protein sequence and biophysical properties (such as structural, functional, and spatial information, amino acid conservation, physicochemical variation, residue mobility, and thermodynamic stability) has been performed for this missense variant. However, the output from this modeling did not meet the statistical confidence thresholds required to predict the impact of this variant on KRT10 protein function. In summary, the available evidence is currently insufficient to determine the role of this variant in disease. Therefore, it has been classified as a Variant of Uncertain Significance.

NM_000421.5(KRT10):c.734G>A (p.Arg245His)

Genes: KRT10 (keratin 10; minus strand), KRT10-AS1 (KRT10 antisense RNA 1; plus strand), LOC126862559 (BRD4-independent group 4 enhancer GRCh37_chr17:38975907-38977106; plus strand). Cytogenetic location: 17q21.2.
Variant type: single nucleotide variant.
Coding change: c.734G>A on transcript NM_000421.5 (MANE Select); coding-DNA position 734, G replaced by A.
Protein change: p.Arg245His; replaces arginine 245 with histidine.
Molecular consequence: missense variant.
Genome position (GRCh38, 1-based): chr17:40,820,644, C>T on the plus strand (G>A on the coding strand, the complement: KRT10 is on the minus strand). VCF-style: chr17-40820644-C-T. GRCh37 (hg19) VCF-style: chr17-38976896-C-T.
Other names: c.734G>A, p.Arg245His (NM_001379366.1); short protein forms R245H.
Identifiers: ClinVar variation 2899240 (VCV002899240.3), dbSNP rs369473843, ClinGen allele CA8548207.
Genomic context (GRCh38, chr17:40,820,644, plus strand): 5'-GTCAGGGTCAGCTCATCCAGCACCCTACGCAGGCCGTTGATGTCAGCCTCCACGCTCTGG[C>T]GCAGAGCTACCTCATTCTCATACCTGAAACAAGCATGATATCAATACTGGTTATAACTTA-3'
Protein context (NP_000412.4, residues 235-255): RLKYENEVAL[Arg245His]QSVEADINGL